The following is an entry in ClinVar:

ClinVar aggregate classification (germline): Uncertain significance (1 of 4 stars; one submission).

Conditions:
Tuberous sclerosis 1 (TSC1). Identifiers: Orphanet 805, MedGen C1854465, MONDO:0008612, OMIM 191100.

Submission:

Labcorp Genetics (formerly Invitae), Labcorp
Classification: Uncertain significance for Tuberous sclerosis 1. Last evaluated: 2021-09-24. Review status: criteria provided, single submitter. Criteria: Invitae Variant Classification Sherloc (09022015). Collection method: clinical testing. Allele origin: germline.
Comment: This variant has not been reported in the literature in individuals affected with TSC1-related conditions. Algorithms developed to predict the effect of missense changes on protein structure and function are either unavailable or do not agree on the potential impact of this missense change (SIFT: "Tolerated"; PolyPhen-2: "Possibly Damaging"; Align-GVGD: "Class C0"). In summary, the available evidence is currently insufficient to determine the role of this variant in disease. Therefore, it has been classified as a Variant of Uncertain Significance. This sequence change replaces serine with tyrosine at codon 575 of the TSC1 protein (p.Ser575Tyr). The serine residue is moderately conserved and there is a large physicochemical difference between serine and tyrosine. This variant is not present in population databases (ExAC no frequency).

NM_000368.5(TSC1):c.1724C>A (p.Ser575Tyr)

Gene: TSC1 (TSC complex subunit 1; minus strand). Cytogenetic location: 9q34.13.
Variant type: single nucleotide variant.
Coding change: c.1724C>A on transcript NM_000368.5 (MANE Select); coding-DNA position 1724, C replaced by A.
Protein change: p.Ser575Tyr; replaces serine 575 with tyrosine.
Molecular consequence: missense variant.
Genome position (GRCh38, 1-based): chr9:132,905,854, G>T on the plus strand (C>A on the coding strand, the complement: TSC1 is on the minus strand). VCF-style: chr9-132905854-G-T. GRCh37 (hg19) VCF-style: chr9-135781241-G-T.
Other names: c.1721C>A, p.Ser574Tyr (NM_001162426.2); c.1571C>A, p.Ser524Tyr (NM_001162427.2); c.1361C>A, p.Ser454Tyr (NM_001362177.2); short protein forms S454Y, S524Y, S575Y, S574Y.
Identifiers: ClinVar variation 1436028 (VCV001436028.6), dbSNP rs118203566, ClinGen allele CA375363970.